The following is an entry in ClinVar:

ClinVar aggregate classification (germline): Likely pathogenic (1 of 4 stars; one submission).

Conditions:
Hereditary antithrombin deficiency (AT3D). Also called: Reduced antithrombin III activity; Antithrombin deficiency; Antithrombin III deficiency; Thrombophilia due to antithrombin III deficiency. Identifiers: Orphanet 82, MedGen C0272375, MONDO:0013144, OMIM 613118, HP:0001976.

Submission:

Labcorp Genetics (formerly Invitae), Labcorp
Classification: Likely pathogenic for Hereditary antithrombin deficiency. Last evaluated: 2022-11-10. Review status: criteria provided, single submitter. Criteria: Invitae Variant Classification Sherloc (09022015). Collection method: clinical testing. Allele origin: germline.
Comment: This sequence change replaces isoleucine, which is neutral and non-polar, with asparagine, which is neutral and polar, at codon 151 of the SERPINC1 protein (p.Ile151Asn). This variant is not present in population databases (gnomAD no frequency). This missense change has been observed in individual(s) with antithrombin III deficiency (PMID: 21264449). It has also been observed to segregate with disease in related individuals. Advanced modeling of protein sequence and biophysical properties (such as structural, functional, and spatial information, amino acid conservation, physicochemical variation, residue mobility, and thermodynamic stability) performed at Invitae indicates that this missense variant is not expected to disrupt SERPINC1 protein function. This variant disrupts the p.Ile151 amino acid residue in SERPINC1. Other variant(s) that disrupt this residue have been observed in individuals with SERPINC1-related conditions (PMID: 16705712, 21264449, 22627591), which suggests that this may be a clinically significant amino acid residue. In summary, the currently available evidence indicates that the variant is pathogenic, but additional data are needed to prove that conclusively. Therefore, this variant has been classified as Likely Pathogenic.

Literature cited by the submitters: PubMed 21264449; PubMed 16705712; PubMed 22627591.

NM_000488.4(SERPINC1):c.452T>A (p.Ile151Asn)

Gene: SERPINC1 (serpin family C member 1; minus strand). Cytogenetic location: 1q25.1.
Variant type: single nucleotide variant.
Coding change: c.452T>A on transcript NM_000488.4 (MANE Select); coding-DNA position 452, T replaced by A.
Protein change: p.Ile151Asn; replaces isoleucine 151 with asparagine.
Molecular consequence: missense variant. On other transcripts: intron variant (1).
Genome position (GRCh38, 1-based): chr1:173,911,971, A>T on the plus strand (T>A on the coding strand, the complement: SERPINC1 is on the minus strand). VCF-style: chr1-173911971-A-T. GRCh37 (hg19) VCF-style: chr1-173881109-A-T.
Other names: c.308T>A, p.Ile103Asn (NM_001365052.2); c.452T>A, p.Ile151Asn (NM_001386302.1, NM_001386304.1, NM_001386305.1); c.533T>A, p.Ile178Asn (NM_001386303.1); c.409-1080T>A (NM_001386306.1); short protein forms I178N, I103N, I151N.
Identifiers: ClinVar variation 2734043 (VCV002734043.3), dbSNP rs2526582277, ClinGen allele CA343776778.